The following is an entry in ClinVar:

NM_000234.3(LIG1):c.1271T>C (p.Ile424Thr)

Gene: LIG1 (DNA ligase 1; minus strand). Cytogenetic location: 19q13.33.
Variant type: single nucleotide variant.
Coding change: c.1271T>C on transcript NM_000234.3 (MANE Select); coding-DNA position 1271, T replaced by C.
Protein change: p.Ile424Thr; replaces isoleucine 424 with threonine.
Molecular consequence: missense variant. On other transcripts: non-coding transcript variant (6).
Genome position (GRCh38, 1-based): chr19:48,137,068, A>G on the plus strand (T>C on the coding strand, the complement: LIG1 is on the minus strand). VCF-style: chr19-48137068-A-G. GRCh37 (hg19) VCF-style: chr19-48640325-A-G.
Other names: c.1178T>C, p.Ile393Thr (NM_001289063.2); c.1067T>C, p.Ile356Thr (NM_001289064.2); c.1268T>C, p.Ile423Thr (NM_001320970.2); c.1181T>C, p.Ile394Thr (NM_001320971.2); c.1271T>C (NM_000234.1); short protein forms I356T, I423T, I424T, I394T, I393T.
Identifiers: ClinVar variation 729211 (VCV000729211.12), dbSNP rs143797790, ClinGen allele CA9546885.

ClinVar aggregate classification (germline): Conflicting classifications of pathogenicity. Review status: criteria provided, conflicting classifications (1 of 4 stars). 3 submissions from 3 submitters: Uncertain significance (1); Likely benign (1). 1 of the submissions does not count toward it. Last evaluated 2026-01-14.

Conditions:
LIG1-related disorder. Also called: LIG1-related condition.

Allele frequency attached by ClinVar (database versions not stated): gnomAD exomes 0.00014 and 0.00034; ExAC 0.00050; ESP Exome Variant Server 0.00131; gnomAD 0.00135 and 0.00143; TOPMed 0.00145; 1000 Genomes Project 0.00220; 1000 Genomes Project 30x 0.00234.
gnomAD v4.1: 419 of 1,612,888 alleles (0.026%); highest among the groups gnomAD compares: African/African-American, 0.44%; 2 homozygotes.

Submissions (3):

Labcorp Genetics (formerly Invitae), Labcorp
Classification: Likely benign. Last evaluated: 2026-01-14. Review status: criteria provided, single submitter. Criteria: Invitae Variant Classification Sherloc (09022015). Collection method: clinical testing. Allele origin: germline.

Ambry Genetics
Classification: Uncertain significance. Last evaluated: 2025-08-22. Review status: criteria provided, single submitter. Criteria: Ambry Variant Classification Scheme 2023. Collection method: clinical testing. Allele origin: germline.

PreventionGenetics, part of Exact Sciences
Classification: Likely benign for LIG1-related condition. Last evaluated: 2024-02-26. Review status: no assertion criteria provided. Collection method: clinical testing. Allele origin: germline. Not counted in ClinVar's aggregate classification.
Comment: This variant is classified as likely benign based on ACMG/AMP sequence variant interpretation guidelines (Richards et al. 2015 PMID: 25741868, with internal and published modifications).